The following is an entry in ClinVar:

NM_000530.8(MPZ):c.684C>T (p.Ser228=)

Gene: MPZ (myelin protein zero; minus strand). Cytogenetic location: 1q23.3.
Variant type: single nucleotide variant.
Coding change: c.684C>T on transcript NM_000530.8 (MANE Select); coding-DNA position 684, C replaced by T.
Protein change: p.Ser228=; no amino-acid change (serine 228 retained).
Molecular consequence: synonymous variant.
Genome position (GRCh38, 1-based): chr1:161,305,939, G>A on the plus strand (C>T on the coding strand, the complement: MPZ is on the minus strand). VCF-style: chr1-161305939-G-A. GRCh37 (hg19) VCF-style: chr1-161275729-G-A.
Other names: p.S228S:AGC>AGT; p.Ser228=; c.684C>T (LRG_256t1); c.684C>T, p.Ser228= (NM_001315491.2).
Identifiers: ClinVar variation 129619 (VCV000129619.38), dbSNP rs34307129, ClinGen allele CA153713.

ClinVar aggregate classification (germline): Benign/Likely benign. Review status: criteria provided, multiple submitters, no conflicts (2 of 4 stars). 13 submissions from 10 submitters: Benign (9); Likely benign (3). 1 of the submissions does not count toward it. Last evaluated 2026-02-03.

Conditions:
Charcot-Marie-Tooth disease. Also called: Charcot-Marie-Tooth Hereditary Neuropathy; Charcot-Marie-Tooth Neuropathy. Identifiers: Orphanet 166, MedGen C0007959, MONDO:0015626.
Charcot-Marie-Tooth disease, type I (CMT1). Also called: Charcot-Marie-Tooth disease type 1; Charcot-Marie-Tooth, Type 1. Identifiers: Orphanet 65753, MedGen C0751036, MONDO:0019011.
Charcot-Marie-Tooth disease type 1B. Also called: HEREDITARY MOTOR AND SENSORY NEUROPATHY I; HEREDITARY MOTOR AND SENSORY NEUROPATHY IB; PERONEAL MUSCULAR ATROPHY; CHARCOT-MARIE-TOOTH DISEASE, AUTOSOMAL DOMINANT, WITH FOCALLY FOLDED MYELIN SHEATHS, TYPE 1B; CHARCOT-MARIE-TOOTH DISEASE, SLOW NERVE CONDUCTION TYPE, LINKED TO DUFFY; CHARCOT-MARIE-TOOTH NEUROPATHY, TYPE 1B. Identifiers: Orphanet 101082, MedGen C0270912, MONDO:0007307, OMIM 118200.
Charcot-Marie-Tooth disease dominant intermediate D. Also called: CHARCOT-MARIE-TOOTH NEUROPATHY, DOMINANT INTERMEDIATE D; Charcot-Marie-Tooth disease dominant intermediate 3; CMT DI3. Identifiers: Orphanet 100046, MedGen C1843075, MONDO:0011909, OMIM 607791.
Roussy-Lévy syndrome. Also called: Roussy-Levy Syndrome; Roussy Levy hereditary areflexic dystasia; Roussy-Levy disease; Hereditary areflexic dystasia. Identifiers: Orphanet 3115, MedGen C0205713, MONDO:0008392, OMIM 180800.
Neuropathy, congenital hypomyelinating, 2. Identifiers: MedGen C4722277, MONDO:0020765, OMIM 618184.

Allele frequency attached by ClinVar (database versions not stated): 1000 Genomes Project 0.00958; 1000 Genomes Project 30x 0.00999; TOPMed 0.01745; gnomAD 0.01897 and 0.01960; ExAC 0.01957; gnomAD exomes 0.01968 and 0.02521; ESP Exome Variant Server 0.02122.
gnomAD v4.1: 39,428 of 1,613,780 alleles (2.4%); highest among the groups gnomAD compares: Non-Finnish European, 2.9%; 576 homozygotes.

Submissions (13):

Labcorp Genetics (formerly Invitae), Labcorp
Classification: Benign for Charcot-Marie-Tooth disease, type I. Last evaluated: 2026-02-03. Review status: criteria provided, single submitter. Criteria: Invitae Variant Classification Sherloc (09022015). Collection method: clinical testing. Allele origin: germline.

Athena Diagnostics
Classification: Benign. Last evaluated: 2025-06-24. Review status: criteria provided, single submitter. Criteria: Athena Diagnostics Criteria. Collection method: clinical testing. Allele origin: unknown.
Comment: The frequency of this variant in the general population is higher than would generally be expected for pathogenic variants in this gene. Computational tools yielded predictions that this variant is unlikely to have an effect on normal RNA splicing.

ARUP Laboratories, Molecular Genetics and Genomics, ARUP Laboratories
Classification: Benign. Last evaluated: 2025-03-13. Review status: criteria provided, single submitter. Criteria: ARUP Molecular Germline Variant Investigation Process 2024. Collection method: clinical testing. Allele origin: germline.

Blueprint Genetics
Classification: Likely benign. Last evaluated: 2024-11-26. Review status: criteria provided, single submitter. Criteria: ACMG Guidelines, 2015. Collection method: clinical testing. Allele origin: germline.

Illumina Laboratory Services, Illumina
Classification: Benign for Charcot-Marie-Tooth disease type 1B. Last evaluated: 2018-01-12. Review status: criteria provided, single submitter. Criteria: ICSL Variant Classification Criteria 13 December 2019. Collection method: clinical testing. Allele origin: germline.
Comment: This variant was observed in the ICSL laboratory as part of a predisposition screen in an ostensibly healthy population. It had not been previously curated by ICSL or reported in the Human Gene Mutation Database (HGMD: prior to June 1st, 2018), and was therefore a candidate for classification through an automated scoring system. Utilizing variant allele frequency, disease prevalence and penetrance estimates, and inheritance mode, an automated score was calculated to assess if this variant is too frequent to cause the disease. Based on the score and internal cut-off values, a variant classified as benign is not then subjected to further curation. The score for this variant resulted in a classification of benign for this disease.

Illumina Laboratory Services, Illumina
Classification: Benign for Charcot-Marie-Tooth disease dominant intermediate D. Last evaluated: 2018-01-12. Review status: criteria provided, single submitter. Criteria: ICSL Variant Classification Criteria 13 December 2019. Collection method: clinical testing. Allele origin: germline.
Comment: the same text as in the submission from Illumina Laboratory Services, Illumina above.

Illumina Laboratory Services, Illumina
Classification: Likely benign for Neuropathy, congenital hypomyelinating, 2. Last evaluated: 2018-01-12. Review status: criteria provided, single submitter. Criteria: ICSL Variant Classification Criteria 13 December 2019. Collection method: clinical testing. Allele origin: germline.
Comment: This variant was observed in the ICSL laboratory as part of a predisposition screen in an ostensibly healthy population. It had not been previously curated by ICSL or reported in the Human Gene Mutation Database (HGMD: prior to June 1st, 2018), and was therefore a candidate for classification through an automated scoring system. Utilizing variant allele frequency, disease prevalence and penetrance estimates, and inheritance mode, an automated score was calculated to assess if this variant is too frequent to cause the disease. Based on the score and internal cut-off values, a variant classified as likely benign is not then subjected to further curation. The score for this variant resulted in a classification of likely benign for this disease.

Illumina Laboratory Services, Illumina
Classification: Benign for Roussy-Lévy syndrome. Last evaluated: 2018-01-12. Review status: criteria provided, single submitter. Criteria: ICSL Variant Classification Criteria 13 December 2019. Collection method: clinical testing. Allele origin: germline.
Comment: the same text as in the submission from Illumina Laboratory Services, Illumina above.

Mayo Clinic Laboratories, Mayo Clinic
Classification: Benign. Last evaluated: 2016-04-13. Review status: criteria provided, single submitter. Criteria: ACMG Guidelines, 2015. Collection method: clinical testing. Allele origin: germline. Observed: 109 variant alleles.

GeneDx
Classification: Benign. Last evaluated: 2014-03-17. Review status: criteria provided, single submitter. Criteria: GeneDx Variant Classification (06012015). Collection method: clinical testing. Allele origin: germline. Affected: yes.
Comment: This variant is considered likely benign or benign based on one or more of the following criteria: it is a conservative change, it occurs at a poorly conserved position in the protein, it is predicted to be benign by multiple in silico algorithms, and/or has population frequency not consistent with disease.

Breakthrough Genomics
Classification: Likely benign. Review status: criteria provided, single submitter. Criteria: ACMG Guidelines, 2015. Collection method: not provided. Allele origin: germline. Inheritance: Autosomal recessive inheritance. Affected: yes.

Molecular Genetics Laboratory, London Health Sciences Centre
Classification: Benign for Charcot-Marie-Tooth disease. Review status: criteria provided, single submitter. Criteria: ACMG Guidelines, 2015. Collection method: clinical testing. Allele origin: germline. Affected: yes.

Genetic Services Laboratory, University of Chicago
Classification: Likely benign for AllHighlyPenetrant. Review status: no assertion criteria provided. Collection method: clinical testing. Allele origin: germline. Inheritance: Autosomal dominant inheritance. Not counted in ClinVar's aggregate classification.
Comment: Likely benign based on allele frequency in 1000 Genomes Project or ESP global frequency and its presence in a patient with a rare or unrelated disease phenotype. NOT Sanger confirmed.

Literature cited by the submitters: PubMed 15094849 (cited by Athena Diagnostics); PubMed 10737979 (cited by Athena Diagnostics); PubMed 12953275 (cited by Athena Diagnostics); PubMed 7527371 (cited by Athena Diagnostics).